The following is an entry in ClinVar:

NM_002234.4(KCNA5):c.110C>T (p.Pro37Leu)

Gene: KCNA5 (potassium voltage-gated channel subfamily A member 5; plus strand). Cytogenetic location: 12p13.32.
Variant type: single nucleotide variant.
Coding change: c.110C>T on transcript NM_002234.4 (MANE Select); coding-DNA position 110, C replaced by T.
Protein change: p.Pro37Leu; replaces proline 37 with leucine.
Molecular consequence: missense variant.
Genome position (GRCh38, 1-based): chr12:5,044,257, C>T. VCF-style: chr12-5044257-C-T. GRCh37 (hg19) VCF-style: chr12-5153423-C-T.
Other names: short protein forms P37L.
Identifiers: ClinVar variation 2252534 (VCV002252534.5), dbSNP rs941518325, ClinGen allele CA231866796.

ClinVar aggregate classification (germline): Uncertain significance. Review status: criteria provided, multiple submitters, no conflicts (2 of 4 stars). 2 submissions from 2 submitters: Uncertain significance (2). Last evaluated 2024-01-18.

Conditions:
Inborn genetic diseases. Identifiers: MedGen C0950123, MeSH D030342.
Atrial fibrillation, familial, 7 (ATFB7). Identifiers: MedGen C2677106, MONDO:0012828, OMIM 612240.

Allele frequency attached by ClinVar (database versions not stated): gnomAD 0.00001.
gnomAD v4.1: 3 of 1,540,886 alleles (0.00019%); highest among the groups gnomAD compares: Non-Finnish European, 0.00026%; no homozygotes.

Submissions (2):

Labcorp Genetics (formerly Invitae), Labcorp
Classification: Uncertain significance for Atrial fibrillation, familial, 7. Last evaluated: 2024-01-18. Review status: criteria provided, single submitter. Criteria: Invitae Variant Classification Sherloc (09022015). Collection method: clinical testing. Allele origin: germline.
Comment: This sequence change replaces proline, which is neutral and non-polar, with leucine, which is neutral and non-polar, at codon 37 of the KCNA5 protein (p.Pro37Leu). This variant is not present in population databases (gnomAD no frequency). This variant has not been reported in the literature in individuals affected with KCNA5-related conditions. ClinVar contains an entry for this variant (Variation ID: 2252534). An algorithm developed to predict the effect of missense changes on protein structure and function (PolyPhen-2) suggests that this variant is likely to be tolerated. In summary, the available evidence is currently insufficient to determine the role of this variant in disease. Therefore, it has been classified as a Variant of Uncertain Significance.

Ambry Genetics
Classification: Uncertain significance for Inborn genetic diseases. Last evaluated: 2021-09-27. Review status: criteria provided, single submitter. Criteria: Ambry Variant Classification Scheme 2023. Collection method: clinical testing. Allele origin: germline.